The following is an entry in ClinVar:

NM_025219.3(DNAJC5):c.*3413A>G

Gene: DNAJC5 (DnaJ heat shock protein family (Hsp40) member C5; plus strand). Cytogenetic location: 20q13.33.
Variant type: single nucleotide variant.
Coding change: c.*3413A>G on transcript NM_025219.3 (MANE Select); 3413 bases downstream of the stop codon, A replaced by G.
Molecular consequence: 3 prime UTR variant.
Genome position (GRCh38, 1-based): chr20:63,934,981, A>G. VCF-style: chr20-63934981-A-G. GRCh37 (hg19) VCF-style: chr20-62566334-A-G.
Identifiers: ClinVar variation 339427 (VCV000339427.6), dbSNP rs150408300, ClinGen allele CA10652806.
Genomic context (GRCh38, chr20:63,934,981, plus strand): 5'-GCAGAGTTCAGCGCTTGTCCACCCTCCCTTAGCTCTGACTCAGTGCATCCTACTGTGGGG[A>G]CATCTCGTGAGGGGACACGAAATGACTGATCTCACCCTTTCCCAGTATTCAGAGCTGTGA-3'

ClinVar aggregate classification (germline): Benign (1 of 4 stars; one submission).

Conditions:
Ceroid lipofuscinosis, neuronal, 4 (Kufs type) (CLN4). Also called: Neuronal ceroid lipofuscinosis 4B; Ceroid lipofuscinosis, neuronal, 4, Parry type. Identifiers: Orphanet 228343, Orphanet 79262, MedGen C1834207, MONDO:0008083, OMIM 162350.

Allele frequency attached by ClinVar (database versions not stated): gnomAD 0.00071 and 0.00154; TOPMed 0.00090; 1000 Genomes Project 30x 0.00437; 1000 Genomes Project 0.00439.

Submission:

Illumina Laboratory Services, Illumina
Classification: Benign for Ceroid lipofuscinosis, neuronal, 4 (Kufs type). Last evaluated: 2018-01-12. Review status: criteria provided, single submitter. Criteria: ICSL Variant Classification Criteria 13 December 2019. Collection method: clinical testing. Allele origin: germline.
Comment: This variant was observed in the ICSL laboratory as part of a predisposition screen in an ostensibly healthy population. It had not been previously curated by ICSL or reported in the Human Gene Mutation Database (HGMD: prior to June 1st, 2018), and was therefore a candidate for classification through an automated scoring system. Utilizing variant allele frequency, disease prevalence and penetrance estimates, and inheritance mode, an automated score was calculated to assess if this variant is too frequent to cause the disease. Based on the score and internal cut-off values, a variant classified as benign is not then subjected to further curation. The score for this variant resulted in a classification of benign for this disease.